The following is an entry in ClinVar:

NM_001364905.1(LRBA):c.7004C>T (p.Ala2335Val)

Gene: LRBA (LPS responsive beige-like anchor protein; minus strand). Cytogenetic location: 4q31.3.
Variant type: single nucleotide variant.
Coding change: c.7004C>T on transcript NM_001364905.1 (MANE Select); coding-DNA position 7004, C replaced by T.
Protein change: p.Ala2335Val; replaces alanine 2335 with valine.
Molecular consequence: missense variant.
Genome position (GRCh38, 1-based): chr4:150,435,626, G>A on the plus strand (C>T on the coding strand, the complement: LRBA is on the minus strand). VCF-style: chr4-150435626-G-A. GRCh37 (hg19) VCF-style: chr4-151356778-G-A.
Other names: c.7004C>T, p.Ala2335Val (NM_001199282.3, NM_001367550.1); c.7037C>T, p.Ala2346Val (NM_006726.5); short protein forms A2346V, A2335V.
Identifiers: ClinVar variation 1487782 (VCV001487782.5), dbSNP rs2151993442, ClinGen allele CA358600070.

ClinVar aggregate classification (germline): Uncertain significance (1 of 4 stars; one submission).

Conditions:
Combined immunodeficiency due to LRBA deficiency. Also called: Common variable immunodeficiency 8, with autoimmunity. Identifiers: Orphanet 445018, MedGen C3553512, MONDO:0013863, OMIM 614700.

Submission:

Labcorp Genetics (formerly Invitae), Labcorp
Classification: Uncertain significance for Combined immunodeficiency due to LRBA deficiency. Last evaluated: 2022-03-22. Review status: criteria provided, single submitter. Criteria: Invitae Variant Classification Sherloc (09022015). Collection method: clinical testing. Allele origin: germline.
Comment: This sequence change replaces alanine, which is neutral and non-polar, with valine, which is neutral and non-polar, at codon 2346 of the LRBA protein (p.Ala2346Val). This variant is not present in population databases (gnomAD no frequency). This variant has not been reported in the literature in individuals affected with LRBA-related conditions. Algorithms developed to predict the effect of missense changes on protein structure and function are either unavailable or do not agree on the potential impact of this missense change (SIFT: "Deleterious"; PolyPhen-2: "Probably Damaging"; Align-GVGD: "Class C0"). In summary, the available evidence is currently insufficient to determine the role of this variant in disease. Therefore, it has been classified as a Variant of Uncertain Significance.